The following is an entry in ClinVar:

NM_000530.8(MPZ):c.491G>T (p.Gly164Val)

Gene: MPZ (myelin protein zero; minus strand). Cytogenetic location: 1q23.3.
Variant type: single nucleotide variant.
Coding change: c.491G>T on transcript NM_000530.8 (MANE Select); coding-DNA position 491, G replaced by T.
Protein change: p.Gly164Val; replaces glycine 164 with valine.
Molecular consequence: missense variant.
Genome position (GRCh38, 1-based): chr1:161,306,422, C>A on the plus strand (G>T on the coding strand, the complement: MPZ is on the minus strand). VCF-style: chr1-161306422-C-A. GRCh37 (hg19) VCF-style: chr1-161276212-C-A.
Other names: c.491G>T, p.Gly164Val (NM_001315491.2); short protein forms G164V.
Identifiers: ClinVar variation 4855391 (VCV004855391.1).

ClinVar aggregate classification (germline): Uncertain significance (1 of 4 stars; one submission).

Conditions:
MPZ-related disorder. Also called: MPZ-related condition; MPZ-related disorders.

Submission:

3billion
Classification: Uncertain significance for MPZ-related disorder. Last evaluated: 2025-08-04. Review status: criteria provided, single submitter. Criteria: ACMG Guidelines, 2015. Collection method: clinical testing. Allele origin: germline. Affected: yes.
Comment: The variant is observed at an extremely low frequency in the gnomAD v4.1.0 dataset (total allele frequency: <0.001%). Predicted Consequence/Location: Missense variant In silico tool predictions suggest damaging effect of the variant on gene or gene product [3Cnet: 0.99 (> 0.75, sensitivity 0.96 and precision 0.92)]. Therefore, this variant is classified as VUS according to the recommendation of ACMG/AMP guideline.